The following is an entry in ClinVar:

ClinVar aggregate classification (germline): Benign (1 of 4 stars; one submission).

Allele frequency attached by ClinVar (database versions not stated): 1000 Genomes Project 0.12680; 1000 Genomes Project 30x 0.12758; gnomAD 0.13258 and 0.13534; TOPMed 0.13823.
gnomAD v4.1: 20,117 of 151,934 alleles (13%); highest among the groups gnomAD compares: African/African-American, 23%; 1,627 homozygotes.

Submission:

GeneDx
Classification: Benign. Last evaluated: 2018-06-19. Review status: criteria provided, single submitter. Criteria: GeneDx Variant Classification (06012015). Collection method: clinical testing. Allele origin: germline. Affected: yes.
Comment: This variant is considered likely benign or benign based on one or more of the following criteria: it is a conservative change, it occurs at a poorly conserved position in the protein, it is predicted to be benign by multiple in silico algorithms, and/or has population frequency not consistent with disease.

NM_001182.5(ALDH7A1):c.650+300C>A

Gene: ALDH7A1 (aldehyde dehydrogenase 7 family member A1; minus strand). Cytogenetic location: 5q23.2.
Variant type: single nucleotide variant.
Coding change: c.650+300C>A on transcript NM_001182.5 (MANE Select); 300 bases into the intron after coding-DNA position 650, C replaced by A.
Molecular consequence: intron variant.
Genome position (GRCh38, 1-based): chr5:126,576,779, G>T on the plus strand (C>A on the coding strand, the complement: ALDH7A1 is on the minus strand). VCF-style: chr5-126576779-G-T. GRCh37 (hg19) VCF-style: chr5-125912471-G-T.
Other names: c.650+300C>A (NM_001202404.2); c.566+300C>A (NM_001201377.2).
Identifiers: ClinVar variation 668797 (VCV000668797.1), dbSNP rs34496788, ClinGen allele CA12105832.